The following is an entry in ClinVar:

ClinVar aggregate classification (germline): Uncertain significance. Review status: criteria provided, multiple submitters, no conflicts (2 of 4 stars). 2 submissions from 2 submitters: Uncertain significance (2). Last evaluated 2025-10-01.

Conditions:
Deficiency of alpha-mannosidase (MANSA). Also called: Mannosidosis, alpha-, types I and II; LYSOSOMAL ALPHA-D-MANNOSIDASE DEFICIENCY; Alpha-Mannosidosis. Identifiers: Orphanet 61, MedGen C0024748, MONDO:0009561, OMIM 248500.

Allele frequency attached by ClinVar (database versions not stated): ExAC 0.00001; gnomAD 0.00001; gnomAD exomes 0.00001; TOPMed 0.00003.
gnomAD v4.1: 20 of 1,614,080 alleles (0.0012%); highest among the groups gnomAD compares: Admixed American, 0.0017%; no homozygotes.

Submissions (2):

Labcorp Genetics (formerly Invitae), Labcorp
Classification: Uncertain significance for Deficiency of alpha-mannosidase. Last evaluated: 2025-10-01. Review status: criteria provided, single submitter. Criteria: Invitae Variant Classification Sherloc (09022015). Collection method: clinical testing. Allele origin: germline.
Comment: This sequence change replaces aspartic acid, which is acidic and polar, with glycine, which is neutral and non-polar, at codon 73 of the MAN2B1 protein (p.Asp73Gly). This variant is present in population databases (rs781046464, gnomAD 0.003%). This variant has not been reported in the literature in individuals affected with MAN2B1-related conditions. ClinVar contains an entry for this variant (Variation ID: 1369850). Invitae Evidence Modeling of protein sequence and biophysical properties (such as structural, functional, and spatial information, amino acid conservation, physicochemical variation, residue mobility, and thermodynamic stability) has been performed for this missense variant. However, the output from this modeling did not meet the statistical confidence thresholds required to predict the impact of this variant on MAN2B1 protein function. In summary, the available evidence is currently insufficient to determine the role of this variant in disease. Therefore, it has been classified as a Variant of Uncertain Significance.

Fulgent Genetics
Classification: Uncertain significance for Deficiency of alpha-mannosidase. Last evaluated: 2021-12-13. Review status: criteria provided, single submitter. Criteria: ACMG Guidelines, 2015. Collection method: clinical testing. Allele origin: unknown.

NM_000528.4(MAN2B1):c.218A>G (p.Asp73Gly)

Gene: MAN2B1 (mannosidase alpha class 2B member 1; minus strand). Cytogenetic location: 19p13.13.
Variant type: single nucleotide variant.
Coding change: c.218A>G on transcript NM_000528.4 (MANE Select); coding-DNA position 218, A replaced by G.
Protein change: p.Asp73Gly; replaces aspartic acid 73 with glycine.
Molecular consequence: missense variant.
Genome position (GRCh38, 1-based): chr19:12,665,747, T>C on the plus strand (A>G on the coding strand, the complement: MAN2B1 is on the minus strand). VCF-style: chr19-12665747-T-C. GRCh37 (hg19) VCF-style: chr19-12776561-T-C.
Other names: c.218A>G, p.Asp73Gly (NM_001173498.2); short protein forms D73G.
Identifiers: ClinVar variation 1369850 (VCV001369850.5), dbSNP rs781046464, ClinGen allele CA9226879.